The following is an entry in ClinVar:

ClinVar aggregate classification (germline): Likely benign (1 of 4 stars; one submission).

Conditions:
Familial hypercholesterolemia. Also called: Familial hypercholesterolaemia. Identifiers: MedGen C0020445, MONDO:0005439.

Submission:

GENinCode PLC
Classification: Likely benign for Familial hypercholesterolemia. Last evaluated: 2025-05-21. Review status: criteria provided, single submitter. Criteria: ACMG Guidelines, 2015. Collection method: clinical testing. Allele origin: germline.
Comment: This is a synonymous (silent) variant that is not predicted to impact splicing and occurs at a nucleotide which is not highly conserved. This variant has been classified as Likely Benign (BP4, BP7).

NM_000384.3(APOB):c.162C>T (p.Tyr54=)

Genes: APOB (apolipoprotein B; minus strand), LOC106560211 (APOB 5' regulatory region; plus strand). Cytogenetic location: 2p24.1.
Variant type: single nucleotide variant.
Coding change: c.162C>T on transcript NM_000384.3 (MANE Select); coding-DNA position 162, C replaced by T.
Protein change: p.Tyr54=; no amino-acid change (tyrosine 54 retained).
Molecular consequence: synonymous variant.
Genome position (GRCh38, 1-based): chr2:21,042,436, G>A on the plus strand (C>T on the coding strand, the complement: APOB is on the minus strand). VCF-style: chr2-21042436-G-A. GRCh37 (hg19) VCF-style: chr2-21265308-G-A.
Identifiers: ClinVar variation 4077001 (VCV004077001.1).